The following is an entry in ClinVar:

ClinVar aggregate classification (germline): Pathogenic (1 of 4 stars; one submission).

Conditions:
Cardiovascular phenotype. Identifiers: MedGen CN230736.
Hereditary cancer-predisposing syndrome. Also called: Neoplastic Syndromes, Hereditary; Tumor predisposition; Hereditary neoplastic syndrome; Hereditary Cancer Syndrome. Identifiers: Orphanet 140162, MedGen C0027672, MeSH D009386, MONDO:0015356.

Submission:

Ambry Genetics
Classification: Pathogenic for Cardiovascular phenotype; Hereditary cancer-predisposing syndrome. Last evaluated: 2026-06-29. Review status: criteria provided, single submitter. Criteria: Ambry Variant Classification Scheme 2023. Collection method: clinical testing. Allele origin: germline.
Comment: The c.154delC pathogenic mutation, located in coding exon 1 of the LZTR1 gene, results from a deletion of one nucleotide at nucleotide position 154, causing a translational frameshift with a predicted alternate stop codon (p.H52Ifs*49). This variant was reported in individual(s) with features consistent with LZTR1-related schwannomatosis (Horn S et al. Front Neurol, 2024 Aug;15:1391425). This variant is considered to be rare based on population cohorts in the Genome Aggregation Database (gnomAD). This alteration is expected to result in loss of function by premature protein truncation or nonsense-mediated mRNA decay. Loss-of-function variants in LZTR1 are related to an increased risk for schwannomas and autosomal recessive Noonan syndrome; however, such associations with autosomal dominant Noonan syndrome have not been observed (Piotrowski A et al. Nat Genet. 2014 Feb;46:182-7; Yamamoto GL et al. J Med Genet. 2015 Jun;52:413-21; Johnston JJ et al. Genet Med. 2018 10;20:1175-1185). Based on the supporting evidence, this variant is pathogenic for an increased risk of LZTR1-related schwannomatosis (SWN) and would be expected to cause autosomal recessive Noonan syndrome when present along with a second pathogenic or likely pathogenic variant on the other allele; however, the association of this variant with autosomal dominant Noonan syndrome is unlikely.

Literature cited by the submitters: PubMed 39258154.

NM_006767.4(LZTR1):c.154del (p.His52fs)

Gene: LZTR1 (leucine zipper like post translational regulator 1; plus strand). Cytogenetic location: 22q11.21.
Variant type: Deletion.
Coding change: c.154del on transcript NM_006767.4 (MANE Select); coding-DNA position 154, one base deleted (C; older notation c.154delC).
Protein change: p.His52fs; shifts the reading frame from histidine 52.
Molecular consequence: frameshift variant.
Genome position (GRCh38, 1-based): chr22:20,982,525, C deleted. VCF-style (leftmost placement, unchanged base first): chr22-20982524-GC-G. GRCh37 (hg19) VCF-style: chr22-21336813-GC-G.
Other names: short protein forms H52fs.
Identifiers: ClinVar variation 5023756 (VCV005023756.1).